The following is an entry in ClinVar:

ClinVar aggregate classification (germline): Uncertain significance (1 of 4 stars; one submission).

Allele frequency attached by ClinVar (database versions not stated): gnomAD exomes below 0.00001; gnomAD 0.00001; TOPMed 0.00001.
gnomAD v4.1: 13 of 1,613,992 alleles (0.00081%); highest among the groups gnomAD compares: Middle Eastern, 0.099%; no homozygotes.

Submission:

Labcorp Genetics (formerly Invitae), Labcorp
Classification: Uncertain significance. Last evaluated: 2024-02-13. Review status: criteria provided, single submitter. Criteria: Invitae Variant Classification Sherloc (09022015). Collection method: clinical testing. Allele origin: germline.
Comment: This sequence change replaces threonine, which is neutral and polar, with isoleucine, which is neutral and non-polar, at codon 936 of the WNK4 protein (p.Thr936Ile). This variant is present in population databases (no rsID available, gnomAD 0.002%). This variant has not been reported in the literature in individuals affected with WNK4-related conditions. Advanced modeling of protein sequence and biophysical properties (such as structural, functional, and spatial information, amino acid conservation, physicochemical variation, residue mobility, and thermodynamic stability) performed at Invitae indicates that this missense variant is not expected to disrupt WNK4 protein function with a negative predictive value of 95%. In summary, the available evidence is currently insufficient to determine the role of this variant in disease. Therefore, it has been classified as a Variant of Uncertain Significance.

NM_032387.5(WNK4):c.2807C>T (p.Thr936Ile)

Gene: WNK4 (WNK lysine deficient protein kinase 4; plus strand). Cytogenetic location: 17q21.2.
Variant type: single nucleotide variant.
Coding change: c.2807C>T on transcript NM_032387.5 (MANE Select); coding-DNA position 2807, C replaced by T.
Protein change: p.Thr936Ile; replaces threonine 936 with isoleucine.
Molecular consequence: missense variant.
Genome position (GRCh38, 1-based): chr17:42,795,228, C>T. VCF-style: chr17-42795228-C-T. GRCh37 (hg19) VCF-style: chr17-40947246-C-T.
Other names: c.1799C>T, p.Thr600Ile (NM_001321299.2); short protein forms T936I, T600I.
Identifiers: ClinVar variation 2885860 (VCV002885860.3), dbSNP rs868616711, ClinGen allele CA290791051.